The following is an entry in ClinVar:

NM_016507.4(CDK12):c.490G>A (p.Ala164Thr)

Genes: CDK12 (cyclin dependent kinase 12; plus strand), LOC126862553 (CDK7 strongly-dependent group 2 enhancer GRCh37_chr17:37618166-37619365; plus strand). Cytogenetic location: 17q12.
Variant type: single nucleotide variant.
Coding change: c.490G>A on transcript NM_016507.4 (MANE Select); coding-DNA position 490, G replaced by A.
Protein change: p.Ala164Thr; replaces alanine 164 with threonine.
Molecular consequence: missense variant.
Genome position (GRCh38, 1-based): chr17:39,462,561, G>A. VCF-style: chr17-39462561-G-A. GRCh37 (hg19) VCF-style: chr17-37618814-G-A.
Other names: c.490G>A, p.Ala164Thr (NM_015083.4); short protein forms A164T.
Identifiers: ClinVar variation 3489316 (VCV003489316.1).

ClinVar aggregate classification (germline): Uncertain significance (1 of 4 stars; one submission).

Submission:

Ambry Genetics
Classification: Uncertain significance. Last evaluated: 2024-11-28. Review status: criteria provided, single submitter. Criteria: Ambry Variant Classification Scheme 2023. Collection method: clinical testing. Allele origin: germline.
Comment: The p.A164T variant (also known as c.490G>A), located in coding exon 1 of the CDK12 gene, results from a G to A substitution at nucleotide position 490. The alanine at codon 164 is replaced by threonine, an amino acid with similar properties. This amino acid position is conserved. In addition, this alteration is predicted to be tolerated by in silico analysis. Based on the available evidence, the clinical significance of this variant remains unclear.